The following is an entry in ClinVar:

ClinVar aggregate classification (germline): Uncertain significance (1 of 4 stars; one submission).

gnomAD v4.1: 1 of 1,573,020 alleles (0.000064%); highest among the groups gnomAD compares: Admixed American, 0.0019%; no homozygotes.

Submission:

GeneDx
Classification: Uncertain significance. Last evaluated: 2026-02-26. Review status: criteria provided, single submitter. Criteria: GeneDx Variant Classification Process June 2021. Collection method: clinical testing. Allele origin: germline.
Comment: Not observed at significant frequency in large population cohorts (gnomAD); In silico analysis supports that this missense variant has a deleterious effect on protein structure/function; Has not been previously published as pathogenic or benign to our knowledge

NM_006623.4(PHGDH):c.1073C>T (p.Thr358Ile)

Gene: PHGDH (phosphoglycerate dehydrogenase; plus strand). Cytogenetic location: 1p12.
Variant type: single nucleotide variant.
Coding change: c.1073C>T on transcript NM_006623.4 (MANE Select); coding-DNA position 1073, C replaced by T.
Protein change: p.Thr358Ile; replaces threonine 358 with isoleucine.
Molecular consequence: missense variant.
Genome position (GRCh38, 1-based): chr1:119,740,513, C>T. VCF-style: chr1-119740513-C-T. GRCh37 (hg19) VCF-style: chr1-120283136-C-T.
Other names: short protein forms T358I.
Identifiers: ClinVar variation 5010088 (VCV005010088.1).
Genomic context (GRCh38, chr1:119,740,513, plus strand): 5'-CTCTGGGGACACTGATGCGAGCCTGGGCTGGGTCCCCCAAAGGGACCATCCAGGTGATAA[C>T]ACAGGGTGAGCTGGGGACCTTGCAGAGGGAGGGGGAGGAGGGGATGAGGGAGTGTGGGAT-3'
Protein context (NP_006614.2, residues 348-368): GSPKGTIQVI[Thr358Ile]QGTSLKNAGN